The following is an entry in ClinVar:

ClinVar aggregate classification (germline): Uncertain significance (1 of 4 stars; one submission).

gnomAD v4.1: 2 of 1,548,760 alleles (0.00013%); highest among the groups gnomAD compares: Non-Finnish European, 0.00017%; no homozygotes.

Submission:

Labcorp Genetics (formerly Invitae), Labcorp
Classification: Uncertain significance. Last evaluated: 2025-07-02. Review status: criteria provided, single submitter. Criteria: Invitae Variant Classification Sherloc (09022015). Collection method: clinical testing. Allele origin: germline.
Comment: This sequence change replaces arginine, which is basic and polar, with cysteine, which is neutral and slightly polar, at codon 178 of the TOP2B protein (p.Arg178Cys). This variant is not present in population databases (gnomAD no frequency). This variant has not been reported in the literature in individuals affected with TOP2B-related conditions. An algorithm developed to predict the effect of missense changes on protein structure and function (PolyPhen-2) suggests that this variant is likely to be disruptive. In summary, the available evidence is currently insufficient to determine the role of this variant in disease. Therefore, it has been classified as a Variant of Uncertain Significance.

NM_001330700.2(TOP2B):c.547C>T (p.Arg183Cys)

Gene: TOP2B (DNA topoisomerase II beta; minus strand). Cytogenetic location: 3p24.2.
Variant type: single nucleotide variant.
Coding change: c.547C>T on transcript NM_001330700.2 (MANE Select); coding-DNA position 547, C replaced by T.
Protein change: p.Arg183Cys; replaces arginine 183 with cysteine.
Molecular consequence: missense variant.
Genome position (GRCh38, 1-based): chr3:25,637,307, G>A on the plus strand (C>T on the coding strand, the complement: TOP2B is on the minus strand). VCF-style: chr3-25637307-G-A. GRCh37 (hg19) VCF-style: chr3-25678798-G-A.
Other names: c.532C>T, p.Arg178Cys (NM_001068.3); short protein forms R183C, R178C.
Identifiers: ClinVar variation 4768389 (VCV004768389.1).